The following is an entry in ClinVar:

ClinVar aggregate classification (germline): Uncertain significance. Review status: criteria provided, multiple submitters, no conflicts (2 of 4 stars). 2 submissions from 2 submitters: Uncertain significance (2). Last evaluated 2025-08-06.

Allele frequency attached by ClinVar (database versions not stated): ExAC 0.00001; gnomAD 0.00001.
gnomAD v4.1: 19 of 1,601,940 alleles (0.0012%); highest among the groups gnomAD compares: Non-Finnish European, 0.0015%; no homozygotes.

Submissions (2):

Labcorp Genetics (formerly Invitae), Labcorp
Classification: Uncertain significance. Last evaluated: 2025-08-06. Review status: criteria provided, single submitter. Criteria: Invitae Variant Classification Sherloc (09022015). Collection method: clinical testing. Allele origin: germline.
Comment: This sequence change replaces histidine, which is basic and polar, with arginine, which is basic and polar, at codon 229 of the RECQL protein (p.His229Arg). This variant is present in population databases (rs771743018, gnomAD 0.003%). This variant has not been reported in the literature in individuals affected with RECQL-related conditions. ClinVar contains an entry for this variant (Variation ID: 1755873). Invitae Evidence Modeling of protein sequence and biophysical properties (such as structural, functional, and spatial information, amino acid conservation, physicochemical variation, residue mobility, and thermodynamic stability) has been performed for this missense variant. However, the output from this modeling did not meet the statistical confidence thresholds required to predict the impact of this variant on RECQL protein function. In summary, the available evidence is currently insufficient to determine the role of this variant in disease. Therefore, it has been classified as a Variant of Uncertain Significance.

Ambry Genetics
Classification: Uncertain significance. Last evaluated: 2024-09-25. Review status: criteria provided, single submitter. Criteria: Ambry Variant Classification Scheme 2023. Collection method: clinical testing. Allele origin: germline.
Comment: The p.H229R variant (also known as c.686A>G), located in coding exon 5 of the RECQL gene, results from an A to G substitution at nucleotide position 686. The histidine at codon 229 is replaced by arginine, an amino acid with highly similar properties. This amino acid position is highly conserved in available vertebrate species. In addition, the in silico prediction for this alteration is inconclusive. Since supporting evidence is limited at this time, the clinical significance of this alteration remains unclear.

NM_002907.4(RECQL):c.686A>G (p.His229Arg)

Gene: RECQL (RecQ like helicase; minus strand). Cytogenetic location: 12p12.1.
Variant type: single nucleotide variant.
Coding change: c.686A>G on transcript NM_002907.4 (MANE Select); coding-DNA position 686, A replaced by G.
Protein change: p.His229Arg; replaces histidine 229 with arginine.
Molecular consequence: missense variant.
Genome position (GRCh38, 1-based): chr12:21,483,390, T>C on the plus strand (A>G on the coding strand, the complement: RECQL is on the minus strand). VCF-style: chr12-21483390-T-C. GRCh37 (hg19) VCF-style: chr12-21636324-T-C.
Other names: c.686A>G, p.His229Arg (NM_032941.3); short protein forms H229R.
Identifiers: ClinVar variation 1755873 (VCV001755873.7), dbSNP rs771743018, ClinGen allele CA6479012.